The following is an entry in ClinVar:

ClinVar aggregate classification (germline): Uncertain significance (1 of 4 stars; one submission).

Conditions:
Retinitis pigmentosa 12 (RP12). Also called: RP WITH OR WITHOUT PPRPE; RP WITH OR WITHOUT PRESERVED PARAARTERIOLE RETINAL PIGMENT EPITHELIUM; RETINITIS PIGMENTOSA WITH OR WITHOUT PARAARTERIOLAR PRESERVATION OF RETINAL PIGMENT EPITHELIUM. Identifiers: Orphanet 791, MedGen C1838647, MONDO:0010818, OMIM 600105.
Leber congenital amaurosis 8 (LCA8). Identifiers: Orphanet 65, MedGen C3151202, MONDO:0013453, OMIM 613835.

Allele frequency attached by ClinVar (database versions not stated): gnomAD exomes below 0.00001; TOPMed below 0.00001.
gnomAD v4.1: 1 of 1,613,292 alleles (0.000062%); highest among the groups gnomAD compares: Non-Finnish European, 0.000085%; no homozygotes.

Submission:

Labcorp Genetics (formerly Invitae), Labcorp
Classification: Uncertain significance for Leber congenital amaurosis 8; Retinitis pigmentosa 12. Last evaluated: 2022-07-06. Review status: criteria provided, single submitter. Criteria: Invitae Variant Classification Sherloc (09022015). Collection method: clinical testing. Allele origin: germline.
Comment: ClinVar contains an entry for this variant (Variation ID: 1373589). This sequence change replaces glycine, which is neutral and non-polar, with valine, which is neutral and non-polar, at codon 956 of the CRB1 protein (p.Gly956Val). This variant is not present in population databases (gnomAD no frequency). This variant has not been reported in the literature in individuals affected with CRB1-related conditions. Advanced modeling of protein sequence and biophysical properties (such as structural, functional, and spatial information, amino acid conservation, physicochemical variation, residue mobility, and thermodynamic stability) performed at Invitae indicates that this missense variant is expected to disrupt CRB1 protein function. In summary, the available evidence is currently insufficient to determine the role of this variant in disease. Therefore, it has been classified as a Variant of Uncertain Significance.

NM_201253.3(CRB1):c.2867G>T (p.Gly956Val)

Gene: CRB1 (crumbs cell polarity complex component 1; plus strand). Cytogenetic location: 1q31.3.
Variant type: single nucleotide variant.
Coding change: c.2867G>T on transcript NM_201253.3 (MANE Select); coding-DNA position 2867, G replaced by T.
Protein change: p.Gly956Val; replaces glycine 956 with valine.
Molecular consequence: missense variant. On other transcripts: non-coding transcript variant (2), intron variant (1).
Genome position (GRCh38, 1-based): chr1:197,434,730, G>T. VCF-style: chr1-197434730-G-T. GRCh37 (hg19) VCF-style: chr1-197403860-G-T.
Other names: c.2531G>T, p.Gly844Val (NM_001193640.2); c.2795G>T, p.Gly932Val (NM_001257965.2); c.2129-870G>T (NM_001257966.2); short protein forms G844V, G932V, G956V.
Identifiers: ClinVar variation 1373589 (VCV001373589.6), dbSNP rs267598279, ClinGen allele CA344043094.